The following is an entry in ClinVar:

NM_001042492.3(NF1):c.5629_5630del (p.Leu1877fs)

Gene: NF1 (neurofibromin 1; plus strand). Cytogenetic location: 17q11.2.
Variant type: Deletion.
Coding change: c.5629_5630del on transcript NM_001042492.3 (MANE Select); coding-DNA positions 5629 to 5630, 2 bases deleted (CT; older notation c.5629_5630delCT).
Protein change: p.Leu1877fs; shifts the reading frame from leucine 1877.
Molecular consequence: frameshift variant.
Genome position (GRCh38, 1-based): chr17:31,330,315-31,330,316, CT deleted; deleting any 2 consecutive bases within chr17:31,330,314-31,330,316 gives the same sequence; the c. name uses the placement nearest the transcript's 3' end. VCF-style (leftmost placement, unchanged base first): chr17-31330313-TTC-T. GRCh37 (hg19) VCF-style: chr17-29657331-TTC-T.
Other names: c.5566_5567delCT (NM_000267.3); c.5566_5567delCT, p.Leu1856Valfs (NM_000267.4); short protein forms L1856fs, L1877fs.
Identifiers: ClinVar variation 835556 (VCV000835556.9), dbSNP rs2069448326, ClinGen allele CA916080637.

ClinVar aggregate classification (germline): Pathogenic. Review status: criteria provided, multiple submitters, no conflicts (2 of 4 stars). 4 submissions from 4 submitters: Pathogenic (4). Last evaluated 2025-03-18.

Conditions:
Hereditary cancer-predisposing syndrome. Also called: Neoplastic Syndromes, Hereditary; Hereditary neoplastic syndrome; Tumor predisposition; Hereditary Cancer Syndrome. Identifiers: Orphanet 140162, MedGen C0027672, MeSH D009386, MONDO:0015356.
Cardiovascular phenotype. Identifiers: MedGen CN230736.
Neurofibromatosis, type 1 (NF1). Also called: Peripheral type neurofibromatosis; Neurofibromatosis, type I; VON RECKLINGHAUSEN DISEASE; NEUROFIBROMATOSIS, TYPE I, SOMATIC. Identifiers: Orphanet 636, MedGen C0027831, MONDO:0018975, OMIM 162200. Disease mechanism: loss of function.
Juvenile myelomonocytic leukemia (JMML). Also called: LEUKEMIA, JUVENILE MYELOMONOCYTIC, SOMATIC. Identifiers: Orphanet 86834, MedGen C0349639, MONDO:0011908, OMIM 607785, HP:0012209.

Submissions (4):

Ambry Genetics
Classification: Pathogenic for Cardiovascular phenotype; Hereditary cancer-predisposing syndrome. Last evaluated: 2025-03-18. Review status: criteria provided, single submitter. Criteria: Ambry Variant Classification Scheme 2023. Collection method: clinical testing. Allele origin: germline.
Comment: The c.5566_5567delCT pathogenic mutation, located in coding exon 38 of the NF1 gene, results from a deletion of two nucleotides at nucleotide positions 5566 to 5567, causing a translational frameshift with a predicted alternate stop codon (p.L1856Vfs*8). This alteration has been identified in an individual meeting NIH diagnostic criteria for neurofibromatosis type 1 (NF1) (Ribeiro MJ et al. Invest Ophthalmol Vis Sci, 2012 Jan;53:287-93). This variant is considered to be rare based on population cohorts in the Genome Aggregation Database (gnomAD). In addition to the clinical data presented in the literature, this alteration is expected to result in loss of function by premature protein truncation or nonsense-mediated mRNA decay. As such, this alteration is interpreted as a disease-causing mutation.

GeneDx
Classification: Pathogenic. Last evaluated: 2025-02-07. Review status: criteria provided, single submitter. Criteria: GeneDx Variant Classification Process June 2021. Collection method: clinical testing. Allele origin: germline. Affected: yes.
Comment: Frameshift variant predicted to result in protein truncation or nonsense mediated decay in a gene for which loss of function is a known mechanism of disease; Not observed at significant frequency in large population cohorts (gnomAD); Also known as c.5565_5566CTdel p.(Asn1963fsX8); This variant is associated with the following publications: (PMID: 22190595)

Labcorp Genetics (formerly Invitae), Labcorp
Classification: Pathogenic for Neurofibromatosis, type 1. Last evaluated: 2022-11-16. Review status: criteria provided, single submitter. Criteria: Invitae Variant Classification Sherloc (09022015). Collection method: clinical testing. Allele origin: germline.
Comment: ClinVar contains an entry for this variant (Variation ID: 835556). For these reasons, this variant has been classified as Pathogenic. Algorithms developed to predict the effect of sequence changes on RNA splicing suggest that this variant may disrupt the consensus splice site. This variant is also known as c.5565_5566 CTdel. This premature translational stop signal has been observed in individual(s) with neurofibromatosis type 1 (PMID: 22190595). This variant is not present in population databases (gnomAD no frequency). This sequence change creates a premature translational stop signal (p.Leu1856Valfs*8) in the NF1 gene. It is expected to result in an absent or disrupted protein product. Loss-of-function variants in NF1 are known to be pathogenic (PMID: 10712197, 23913538).

Baylor Genetics
Classification: Pathogenic for Juvenile myelomonocytic leukemia. Last evaluated: 2021-07-14. Review status: criteria provided, single submitter. Criteria: ACMG Guidelines, 2015. Collection method: clinical testing. Allele origin: unknown.

Literature cited by the submitters: PubMed 22190595 (cited by Ambry Genetics and Labcorp Genetics (formerly Invitae), Labcorp); PubMed 10712197 (cited by Labcorp Genetics (formerly Invitae), Labcorp); PubMed 23913538 (cited by Labcorp Genetics (formerly Invitae), Labcorp).